The following is an entry in ClinVar:

ClinVar aggregate classification (germline): Benign. Review status: reviewed by expert panel (3 of 4 stars). 2 submissions from 2 submitters: Benign (1). 1 of the submissions does not count toward it. Last evaluated 2015-01-12.

Conditions:
Breast-ovarian cancer, familial, susceptibility to, 1 (BROVCA1). Also called: BRCA1 Hereditary Breast and Ovarian Cancer; OVARIAN CANCER, SUSCEPTIBILITY TO. Identifiers: Orphanet 145, MedGen C2676676, MONDO:0011450, OMIM 604370. Disease mechanism: loss of function.

Allele frequency attached by ClinVar (database versions not stated): 1000 Genomes Project 0.01038; 1000 Genomes Project 30x 0.01062; gnomAD 0.01587 and 0.01658; TOPMed 0.01790.
gnomAD v4.1: 2,487 of 151,440 alleles (1.6%); highest among the groups gnomAD compares: Non-Finnish European, 2.4%; 26 homozygotes.

Submissions (2):

Evidence-based Network for the Interpretation of Germline Mutant Alleles (ENIGMA)
Classification: Benign for Breast-ovarian cancer, familial 1. Last evaluated: 2015-01-12. Review status: reviewed by expert panel. Criteria: ENIGMA BRCA1/2 Classification Criteria (2015). Collection method: curation. Allele origin: germline.
Comment: Class 1 not pathogenic based on frequency >1% in an outbred sampleset. Frequency 0.02111 (European), derived from 1000 genomes (2012-04-30).

Breakthrough Genomics
Classification: Benign. Review status: criteria provided, single submitter. Criteria: ACMG Guidelines, 2015. Collection method: not provided. Allele origin: germline. Inheritance: Autosomal recessive inheritance. Affected: yes. Not counted in ClinVar's aggregate classification.

NM_007294.4(BRCA1):c.4358-1413C>T

Gene: BRCA1 (BRCA1 DNA repair associated; minus strand). Cytogenetic location: 17q21.31.
Variant type: single nucleotide variant.
Coding change: c.4358-1413C>T on transcript NM_007294.4 (MANE Select); 1413 bases into the intron before coding-DNA position 4358, C replaced by T.
Molecular consequence: intron variant.
Genome position (GRCh38, 1-based): chr17:43,078,027, G>A on the plus strand (C>T on the coding strand, the complement: BRCA1 is on the minus strand). VCF-style: chr17-43078027-G-A. GRCh37 (hg19) VCF-style: chr17-41230044-G-A.
Other names: IVS 13-1413C>T; c.908-1416C>T (NM_001408458.1, NM_001408461.1, NM_001408459.1 and 1 more transcripts); c.3470-1416C>T (NM_001407967.1); c.3977-1413C>T (NM_001407959.1); c.4091-1413C>T (NM_001407931.1, NM_001407932.1, NM_001407930.1 and 1 more transcripts); c.4214-1413C>T (NM_001407747.1, NM_001407745.1, NM_001407746.1 and 11 more transcripts); c.3974-1413C>T (NM_001407962.1); c.545-1413C>T (NM_001408512.1); and 99 more.
Identifiers: ClinVar variation 209388 (VCV000209388.3), dbSNP rs117089582, ClinGen allele CA276360.